The following is an entry in ClinVar:

ClinVar aggregate classification (germline): Conflicting classifications of pathogenicity. Review status: criteria provided, conflicting classifications (1 of 4 stars). 11 submissions from 11 submitters: Pathogenic (7); Likely pathogenic (1); Uncertain significance (1). 2 of the submissions do not count toward it. Last evaluated 2026-08-01.

Conditions:
MYH7-related disorder. Also called: MYH7-related condition; MYH7-related disease; MYH7-related disorders.
Cardiovascular phenotype. Identifiers: MedGen CN230736.
Congenital myopathy. Identifiers: Orphanet 97245, MedGen C0270960, MONDO:0019952.
Cardiomyopathy (CMYO). Also called: Cardiomyopathies. Identifiers: Orphanet 167848, MedGen C0878544, MONDO:0004994, HP:0001638. Inheritance: Various modes of inheritance.
MYH7-related skeletal myopathy. Also called: MYOPATHY, DISTAL, EARLY-ONSET, AUTOSOMAL DOMINANT; MYOPATHY, LATE DISTAL HEREDITARY; Laing distal myopathy; Laing early-onset distal myopathy; Myopathy, distal, 1. Identifiers: Orphanet 59135, MedGen C4552004, MONDO:0008050, OMIM 160500.
Hypertrophic cardiomyopathy. Also called: HYPERTROPHIC MYOCARDIOPATHY. Identifiers: Orphanet 217569, MedGen C0007194, MeSH D002312, MONDO:0005045, HP:0001639.

Submissions (11):

CeGaT Center for Human Genetics Tuebingen
Classification: Pathogenic. Last evaluated: 2026-08-01. Review status: criteria provided, single submitter. Criteria: CeGaT Center For Human Genetics Tuebingen Variant Classification Criteria Version 2. Collection method: clinical testing. Allele origin: germline. Affected: yes. Observed: 3 variant alleles.
Comment: MYH7: PP1:Strong, PS4, PM2, PM4:Supporting

Labcorp Genetics (formerly Invitae), Labcorp
Classification: Pathogenic for Hypertrophic cardiomyopathy. Last evaluated: 2025-10-21. Review status: criteria provided, single submitter. Criteria: Invitae Variant Classification Sherloc (09022015). Collection method: clinical testing. Allele origin: germline.
Comment: This variant, c.4522_4524del, results in the deletion of 1 amino acid(s) of the MYH7 protein (p.Glu1508del), but otherwise preserves the integrity of the reading frame. This variant is not present in population databases (gnomAD no frequency). This variant has been observed in individual(s) with Laing distal myopathy, and distal myopathy associated with cardiomyopathy (PMID: 21279644, 24664454, 24710723, 25695922, 26094647). In at least one individual the variant was observed to be de novo. It has also been observed to segregate with disease in related individuals. ClinVar contains an entry for this variant (Variation ID: 43023). For these reasons, this variant has been classified as Pathogenic.

Muscle and Diseases Team, Institut de Génétique et Biologie Moléculaire et Cellulaire
Classification: Likely pathogenic for Congenital myopathy. Last evaluated: 2024-03-01. Review status: criteria provided, single submitter. Criteria: ACMG Guidelines, 2015. Collection method: research. Allele origin: maternal. Affected: yes. Observed: 1 variant allele.
Comment: PM1+PM2+PM4+PP4+PP3+PP5

All of Us Research Program, National Institutes of Health
Classification: Uncertain significance for Cardiomyopathy. Last evaluated: 2024-02-05. Review status: criteria provided, single submitter. Criteria: ACMG Guidelines, 2015. Collection method: clinical testing. Allele origin: germline. Inheritance: Autosomal dominant inheritance. Observed: 2 variant alleles, 2 heterozygotes.
Comment: This variant causes an in-frame deletion of glutamic acid at codon 1508 in the is located in the LMM domain of the MYH7 protein. To our knowledge, functional studies have not been reported for this variant. This variant has been reported in over 10 individuals and families affected with Liang distal myopathy (PMID: 19477645, 21279644, 24664454, 24710723, 25695922, 26094647, 32833721, 33298082). Among these individuals affected with Liang distal myopathy, several were also affected with dilated cardiomyopathy (PMID: 24664454, 25695922, 32833721). It has been shown that this variant segregates with disease in multiple affected individuals across multiple families (PMID: 21279644, 25695922, 32833721). This variant has been reported as a de novo occurrence in at least two individuals affected with Liang distal myopathy (PMID: 21279644, 24710723). It has also been reported in one family with multiple individuals affected with distal hereditary motor neuropathy (PMID: 36539320). This variant has been reported in two unrelated individuals affected with dilated cardiomyopathy (PMID: 20474083). This variant has not been identified in the general population by the Genome Aggregation Database (gnomAD). Cardiac involvement is rarely observed in Liang distal myopathy (PMID: 33298082). Although this variant is pathogenic for Laing distal myopathy, the available evidence is insufficient to determine the role of this variant in autosomal dominant cardiomyopathy conclusively. Therefore, this variant is classified as a Variant of Uncertain Significance.

This study involves interpretation of variants in research participants for the purpose of population health screening. Participant phenotype was not available at the time of variant classification. Additional details can be found in publication PMID: 35346344, PMCID: PMC8962531

Revvity Omics, Revvity
Classification: Pathogenic. Last evaluated: 2022-12-19. Review status: criteria provided, single submitter. Criteria: ACMG Guidelines, 2015. Collection method: clinical testing. Allele origin: germline.

Ambry Genetics
Classification: Pathogenic for Cardiovascular phenotype. Last evaluated: 2022-04-21. Review status: criteria provided, single submitter. Criteria: Ambry Variant Classification Scheme 2023. Collection method: clinical testing. Allele origin: germline.
Comment: The c.4522_4524delGAG pathogenic mutation (also known as p.E1508del) is located in coding exon 31 of the MYH7 gene. This pathogenic mutation results from an in-frame GAG deletion at nucleotide positions 4522 to 4524. This results in the in-frame deletion of a glutamic acid at codon 1508. This alteration has been reported in multiple individuals with concerns for skeletal myopathy and segregated with disease in two different families (Dubourg O et al. J. Neurol., 2011 Jun;258:1157-63; Lamont PJ et al. Hum Mutat, 2014 Jul;35:868-79; Van den Bergh PY et al. Acta Neurol Belg, 2014 Dec;114:253-6; Naddaf E et al. J Clin Neuromuscul Dis, 2015 Mar;16:164-9; Reis GF et al. Neuropathology, 2015 Dec;35:575-81; Yu M et al. PLoS One, 2017 May;12:e0175343). Additionally, this alteration was found to be de novo in an individual with Laing myopathy (Dubourg O et al. J. Neurol., 2011 Jun;258:1157-63). This variant is considered to be rare based on population cohorts in the Genome Aggregation Database (gnomAD). In addition, this alteration is predicted to be deleterious by in silico analysis (Choi Y et al. PLoS ONE. 2012; 7(10):e46688). Based on the supporting evidence, this alteration is interpreted as a disease-causing mutation.

Servicio Canario de Salud, Hospital Universitario Nuestra Sra. de Candelaria
Classification: Pathogenic for MYH7-related skeletal myopathy. Last evaluated: 2022-01-01. Review status: criteria provided, single submitter. Criteria: ACMG Guidelines, 2015. Collection method: clinical testing. Allele origin: germline. Inheritance: Autosomal dominant inheritance. Affected: yes. Observed: 1 heterozygote.
Comment: This variant has been previously reported in a patients with myopathy and cardiomyopathy [PMID 15322983, 19477645, 21279644, 24664454, 24710723, 25695922, 26094647, 28403181]. This variant is not present in population databases (gnomAD no frequency). ClinVar contains an entry for this variant (Variation ID: 43023). In silico analysis (CADD, Mutation Taster, SIFT, Provean, PolyPhen2) supports that this missense variant has a deleterious effect on protein structure/function but to date there are no functional/experimental studies. In summary, c.4522_4524del (p.Glu1508del) MYH7 variant meets our criteria to be classified as pathogenic based upon its absence from controls, computational evidence of pathogenicity and having been widely described in relation to the patient´s phenotype.

Blueprint Genetics
Classification: Pathogenic for MYH7-related disorders. Last evaluated: 2021-07-06. Review status: criteria provided, single submitter. Criteria: ACMG Guidelines, 2015. Collection method: clinical testing. Allele origin: germline. Affected: yes. Observed: 1 variant allele.

GeneDx
Classification: Pathogenic. Last evaluated: 2015-12-31. Review status: criteria provided, single submitter. Criteria: GeneDx Variant Classification (06012015). Collection method: clinical testing. Allele origin: germline. Affected: yes.
Comment: The c.4522_4524delGAG variant in the MYH7 gene has been reported previously in several multigenerationfamilies with Laing distal myopathy, including two affected individuals without a familyhistory of myopathy (Dubourg et al., 2011; Van den Bergh et al., 2014; Lamont et al., 2014; Naddaf etal., 2015; Reis et al., 2015). Some individuals also had co-morbid dilated cardiomyopathy (Dubourg etal., 2011; Lamont et al., 2014; Naddaf et al., 2015). The c.4522_4524delGAG variant causes anin-frame deletion of codon Glutamic acid 1508, denoted p.E1508del. The c.4522_4524delGAGvariant occurs within a coiled coil region of the protein that is conserved across species. Furthermore,this in-frame deletion was not observed in approximately 6500 individuals of European and AfricanAmerican ancestry in the NHLBI Exome Sequencing Project, indicating it is not a common benignvariant in these populations. Therefore, we interpret c.4522_4524delGAG as a pathogenic variant

Laboratory for Molecular Medicine, Mass General Brigham Personalized Medicine
Classification: Pathogenic for MYH7-related skeletal myopathy. Last evaluated: 2013-12-06. Review status: no assertion criteria provided. Collection method: clinical testing. Allele origin: germline. Inheritance: Autosomal dominant inheritance. Observed: 1 variant allele. Not counted in ClinVar's aggregate classification.
Comment: proposed classification - variant undergoing re-assessment, contact laboratory

Neurogenetics Laboratory, Royal Perth Hospital
Classification: Pathogenic for Myopathy, distal, 1. Last evaluated: 2013-01-01. Review status: no assertion criteria provided. Collection method: clinical testing. Allele origin: germline. Inheritance: Autosomal dominant inheritance. Affected: yes. Observed: 1 variant allele. Not counted in ClinVar's aggregate classification.

Literature cited by the submitters: PubMed 21279644 (cited by 4 submitters); PubMed 24664454 (cited by 4 submitters); PubMed 24710723 (cited by 3 submitters); PubMed 25695922 (cited by 3 submitters); PubMed 26094647 (cited by 3 submitters); DOI 10.1186/s13073-024-01353-0 (cited by Muscle and Diseases Team, Institut de Génétique et Biologie Moléculaire et Cellulaire); PubMed 19477645 (cited by All of Us Research Program, National Institutes of Health and Neurogenetics Laboratory, Royal Perth Hospital); PubMed 20474083 (cited by All of Us Research Program, National Institutes of Health); PubMed 32833721 (cited by All of Us Research Program, National Institutes of Health); PubMed 33298082 (cited by All of Us Research Program, National Institutes of Health); PubMed 36539320 (cited by All of Us Research Program, National Institutes of Health); PubMed 28403181 (cited by Ambry Genetics); PubMed 15322983 (cited by Laboratory for Molecular Medicine, Mass General Brigham Personalized Medicine).

NM_000257.3(MYH7):c.4522_4524del

Genes: MHRT (myosin heavy chain associated RNA transcript; plus strand), MYH7 (myosin heavy chain 7; minus strand). Cytogenetic location: 14q11.2.
Variant type: Microsatellite.
Coding change: c.4522_4524del on transcript NM_000257.3; coding-DNA positions 4522 to 4524, 3 bases deleted (GAG; older notation c.4522_4524delGAG).
Molecular consequence: splice acceptor variant (on NM_000257.4). On other transcripts: non-coding transcript variant (1).
Genome position (GRCh38, 1-based): chr14:23,416,988-23,416,990, CTC deleted on the plus strand (GAG on the coding strand, the reverse complement: MYH7 is on the minus strand); deleting any 3 consecutive bases within chr14:23,416,988-23,416,993 gives the same sequence; the c. name uses the placement nearest the transcript's 3' end. VCF-style (leftmost placement, unchanged base first): chr14-23416987-TCTC-T. GRCh37 (hg19) VCF-style: chr14-23886196-TCTC-T.
Other names: c.4522_4524del (NM_000257.4); c.4522_4524delGAG (NM_000257.4).
Identifiers: ClinVar variation 43023 (VCV000043023.62), dbSNP rs397516220, ClinGen allele CA015066.